The following is an entry in ClinVar:

NM_001844.5(COL2A1):c.3189dup (p.Val1064fs)

Gene: COL2A1 (collagen type II alpha 1 chain; minus strand). Cytogenetic location: 12q13.11.
Variant type: Duplication.
Coding change: c.3189dup on transcript NM_001844.5 (MANE Select); coding-DNA position 3189, one base duplicated (T; older notation c.3189dupT).
Protein change: p.Val1064fs; shifts the reading frame from valine 1064.
Molecular consequence: frameshift variant.
Genome position (GRCh38, 1-based): chr12:47,977,404, A duplicated on the plus strand (T on the coding strand, the reverse complement: COL2A1 is on the minus strand). VCF-style (leftmost placement, unchanged base first): chr12-47977403-C-CA. GRCh37 (hg19) VCF-style: chr12-48371186-C-CA.
Other names: c.2982dup, p.Val995fs (NM_033150.3); short protein forms V1064fs, V995fs.
Identifiers: ClinVar variation 2052627 (VCV002052627.4), dbSNP rs2540107950, ClinGen allele CA2580085495.

ClinVar aggregate classification (germline): Pathogenic (1 of 4 stars; one submission).

Submission:

Labcorp Genetics (formerly Invitae), Labcorp
Classification: Pathogenic. Last evaluated: 2022-08-14. Review status: criteria provided, single submitter. Criteria: Invitae Variant Classification Sherloc (09022015). Collection method: clinical testing. Allele origin: germline.
Comment: This sequence change creates a premature translational stop signal (p.Val1064Cysfs*54) in the COL2A1 gene. It is expected to result in an absent or disrupted protein product. Loss-of-function variants in COL2A1 are known to be pathogenic (PMID: 20179744). This variant is not present in population databases (gnomAD no frequency). This variant has not been reported in the literature in individuals affected with COL2A1-related conditions. For these reasons, this variant has been classified as Pathogenic.

Literature cited by the submitters: PubMed 20179744.